The following is an entry in ClinVar:

NM_002439.5(MSH3):c.1177G>A (p.Val393Met)

Gene: MSH3 (mutS homolog 3; plus strand). Cytogenetic location: 5q14.1.
Variant type: single nucleotide variant.
Coding change: c.1177G>A on transcript NM_002439.5 (MANE Select); coding-DNA position 1177, G replaced by A.
Protein change: p.Val393Met; replaces valine 393 with methionine.
Molecular consequence: missense variant.
Genome position (GRCh38, 1-based): chr5:80,678,930, G>A. VCF-style: chr5-80678930-G-A. GRCh37 (hg19) VCF-style: chr5-79974749-G-A.
Other names: short protein forms V393M.
Identifiers: ClinVar variation 759003 (VCV000759003.33), dbSNP rs761779919, ClinGen allele CA3327830.

ClinVar aggregate classification (germline): Conflicting classifications of pathogenicity. Review status: criteria provided, conflicting classifications (1 of 4 stars). 10 submissions from 10 submitters: Uncertain significance (7); Likely benign (2). 1 of the submissions does not count toward it. Last evaluated 2026-02-03.

Conditions:
MSH3-related disorder. Also called: MSH3-related condition.
Hereditary cancer-predisposing syndrome. Also called: Tumor predisposition; Neoplastic Syndromes, Hereditary; Hereditary neoplastic syndrome; Hereditary Cancer Syndrome. Identifiers: Orphanet 140162, MedGen C0027672, MeSH D009386, MONDO:0015356.
Familial adenomatous polyposis 4 (FAP4). Also called: MSH3-related attenuated familial adenomatous polyposis. Identifiers: Orphanet 480536, MedGen C4310719, MONDO:0044300, OMIM 617100.

Allele frequency attached by ClinVar (database versions not stated): gnomAD exomes 0.00009 and 0.00021; TOPMed 0.00012; gnomAD 0.00013; ExAC 0.00017.
gnomAD v4.1: 174 of 1,613,988 alleles (0.011%); highest among the groups gnomAD compares: Non-Finnish European, 0.0013%; no homozygotes.

Submissions (10):

Labcorp Genetics (formerly Invitae), Labcorp
Classification: Likely benign. Last evaluated: 2026-02-03. Review status: criteria provided, single submitter. Criteria: Invitae Variant Classification Sherloc (09022015). Collection method: clinical testing. Allele origin: germline.

Center for Genomic Medicine, Rigshospitalet, Copenhagen University Hospital
Classification: Uncertain significance. Last evaluated: 2025-12-29. Review status: criteria provided, single submitter. Criteria: ACMG Guidelines, 2015. Collection method: clinical testing. Allele origin: germline.

GeneDx
Classification: Uncertain significance. Last evaluated: 2025-08-03. Review status: criteria provided, single submitter. Criteria: GeneDx Variant Classification Process June 2021. Collection method: clinical testing. Allele origin: germline. Affected: yes.
Comment: In silico analysis supports that this missense variant has a deleterious effect on protein structure/function; Has not been previously published as pathogenic or benign to our knowledge

Dasa
Classification: Uncertain significance. Last evaluated: 2025-05-06. Review status: criteria provided, single submitter. Criteria: DASA Assertion Criteria. Collection method: clinical testing. Allele origin: germline.
Comment: NM_002439.5(MSH3):c.1177G>A (p.Val393Met) is a missense variant that results in the substitution of valine with methionine. This variant is rare in population databases. Computational prediction algorithms are consistent with a deleterious effect. The currently available literature and clinical evidence are not sufficient to establish a definitive association between this variant and the reported condition. Therefore, this variant is classified as a variant of uncertain significance.

Department of Pathology and Laboratory Medicine, Sinai Health System
Classification: Uncertain significance for Familial adenomatous polyposis 4. Last evaluated: 2024-11-20. Review status: criteria provided, single submitter. Criteria: ACMG Guidelines, 2015. Collection method: clinical testing. Allele origin: germline. Affected: yes.

Ambry Genetics
Classification: Uncertain significance for Hereditary cancer-predisposing syndrome. Last evaluated: 2024-05-31. Review status: criteria provided, single submitter. Criteria: Ambry Variant Classification Scheme 2023. Collection method: clinical testing. Allele origin: germline.
Comment: The p.V393M variant (also known as c.1177G>A), located in coding exon 8 of the MSH3 gene, results from a G to A substitution at nucleotide position 1177. The valine at codon 393 is replaced by methionine, an amino acid with highly similar properties. This amino acid position is well conserved in available vertebrate species. In addition, this alteration is predicted to be deleterious by in silico analysis. Since supporting evidence is limited at this time, the clinical significance of this alteration remains unclear.

Blueprint Genetics
Classification: Uncertain significance. Last evaluated: 2024-03-22. Review status: criteria provided, single submitter. Criteria: ACMG Guidelines, 2015. Collection method: clinical testing. Allele origin: germline.

Quest Diagnostics Nichols Institute San Juan Capistrano
Classification: Likely benign. Last evaluated: 2022-12-06. Review status: criteria provided, single submitter. Criteria: Quest Diagnostics criteria. Collection method: clinical testing. Allele origin: unknown.

Sema4
Classification: Uncertain significance for Hereditary cancer-predisposing syndrome. Last evaluated: 2022-02-04. Review status: criteria provided, single submitter. Criteria: Sema4 Curation Guidelines. Collection method: curation. Allele origin: germline.
Comment: To the best of our knowledge, the MSH3 c.1177G>A (p.V393M) variant has not been reported in individuals with MSH3-related disease. It was observed in 50/10362 chromosomes of the Ashkenazi Jewish subpopulation, with no homozygotes, in the large and broad cohorts of the Genome Aggregation Database (PMID: 32461654). The variant has been reported in ClinVar (Variation ID 759003). In silico tools suggest the impact of the variant on protein function is deleterious, though these predictions have not been confirmed by functional studies. There is no indication that this variant causes disease, but the evidence is insufficient currently to prove that conclusively. Thus, the clinical significance of this variant is currently uncertain.

PreventionGenetics, part of Exact Sciences
Classification: Likely benign for MSH3-related condition. Last evaluated: 2022-04-01. Review status: no assertion criteria provided. Collection method: clinical testing. Allele origin: germline. Not counted in ClinVar's aggregate classification.
Comment: This variant is classified as likely benign based on ACMG/AMP sequence variant interpretation guidelines (Richards et al. 2015 PMID: 25741868, with internal and published modifications).